The following is an entry in ClinVar:

ClinVar aggregate classification (germline): Uncertain significance (1 of 4 stars; one submission).

Conditions:
DICER1-related tumor predisposition. Also called: DICER1-related pleuropulmonary blastoma cancer predisposition syndrome; DICER1 syndrome. Identifiers: Orphanet 284343, MedGen C3839822, MONDO:0100216.

Submission:

Labcorp Genetics (formerly Invitae), Labcorp
Classification: Uncertain significance for DICER1-related tumor predisposition. Last evaluated: 2025-11-18. Review status: criteria provided, single submitter. Criteria: Invitae Variant Classification Sherloc (09022015). Collection method: clinical testing. Allele origin: germline.
Comment: This sequence change replaces glutamine, which is neutral and polar, with arginine, which is basic and polar, at codon 84 of the DICER1 protein (p.Gln84Arg). This variant is not present in population databases (gnomAD no frequency). This variant has not been reported in the literature in individuals affected with DICER1-related conditions. Invitae Evidence Modeling of protein sequence and biophysical properties (such as structural, functional, and spatial information, amino acid conservation, physicochemical variation, residue mobility, and thermodynamic stability) indicates that this missense variant is not expected to disrupt DICER1 protein function with a negative predictive value of 95%. In summary, the available evidence is currently insufficient to determine the role of this variant in disease. Therefore, it has been classified as a Variant of Uncertain Significance.

NM_177438.3(DICER1):c.251A>G (p.Gln84Arg)

Gene: DICER1 (dicer 1, ribonuclease III; minus strand). Cytogenetic location: 14q32.13.
Variant type: single nucleotide variant.
Coding change: c.251A>G on transcript NM_177438.3 (MANE Select); coding-DNA position 251, A replaced by G.
Protein change: p.Gln84Arg; replaces glutamine 84 with arginine.
Molecular consequence: missense variant. On other transcripts: 5 prime UTR variant (9), non-coding transcript variant (6).
Genome position (GRCh38, 1-based): chr14:95,132,571, T>C on the plus strand (A>G on the coding strand, the complement: DICER1 is on the minus strand). VCF-style: chr14-95132571-T-C. GRCh37 (hg19) VCF-style: chr14-95598908-T-C.
Other names: c.251A>G, p.Gln84Arg (NM_001195573.1, NM_001271282.3, NM_001291628.2 and 14 more transcripts); c.-24A>G (NM_001395686.1, NM_001395687.1, NM_001395688.1 and 4 more transcripts); c.-208A>G (NM_001395691.1); c.-1318A>G (NM_001395697.1); short protein forms Q84R.
Identifiers: ClinVar variation 4746818 (VCV004746818.1).